The following is an entry in ClinVar:

ClinVar aggregate classification (germline): Uncertain significance (1 of 4 stars; one submission).

Conditions:
Neurodevelopmental-craniofacial syndrome with variable renal and cardiac abnormalities. Identifiers: MedGen C5561984, MONDO:0859190, OMIM 619522.

Submission:

MGZ Medical Genetics Center
Classification: Uncertain significance for Neurodevelopmental-craniofacial syndrome with variable renal and cardiac abnormalities. Last evaluated: 2022-07-13. Review status: criteria provided, single submitter. Criteria: ACMG Guidelines, 2015. Collection method: clinical testing. Allele origin: germline. Affected: yes. Observed: 1 variant allele.
Comment: ACMG criteria applied: PS2, PM2_SUP

NM_197968.4(ZMYM2):c.275_278dup (p.Gln93fs)

Gene: ZMYM2 (zinc finger MYM-type containing 2; plus strand). Cytogenetic location: 13q12.11.
Variant type: Duplication.
Coding change: c.275_278dup on transcript NM_197968.4 (MANE Select); coding-DNA positions 275 to 278, 4 bases duplicated (TACA; older notation c.275_278dupTACA).
Protein change: p.Gln93fs; shifts the reading frame from glutamine 93.
Molecular consequence: frameshift variant. On other transcripts: non-coding transcript variant (1).
Genome position (GRCh38, 1-based): chr13:19,993,347-19,993,350, TACA duplicated. VCF-style (leftmost placement, unchanged base first): chr13-19993346-C-CTACA. GRCh37 (hg19) VCF-style: chr13-20567486-C-CTACA.
Other names: c.275_278dup, p.Gln93fs (NM_001190964.4, NM_001190965.4, NM_001353157.2 and 6 more transcripts); c.341_344dup, p.Gln115fs (NM_001353161.3); short protein forms Q115fs, Q93fs.
Identifiers: ClinVar variation 1709647 (VCV001709647.2), dbSNP rs2501889212, ClinGen allele CA2580086776.